The following is an entry in ClinVar:

NM_001160372.4(TRAPPC9):c.2513del (p.Asn838fs)

Gene: TRAPPC9 (trafficking protein particle complex subunit 9; minus strand). Cytogenetic location: 8q24.3.
Variant type: Deletion.
Coding change: c.2513del on transcript NM_001160372.4 (MANE Select); coding-DNA position 2513, one base deleted (A; older notation c.2513delA).
Protein change: p.Asn838fs; shifts the reading frame from asparagine 838.
Molecular consequence: frameshift variant. On other transcripts: non-coding transcript variant (1).
Genome position (GRCh38, 1-based): chr8:140,221,502, T deleted on the plus strand (A on the coding strand, the reverse complement: TRAPPC9 is on the minus strand); the first of 2 consecutive T bases (chr8:140,221,502-140,221,503); deleting either gives the same sequence. VCF-style (leftmost placement, unchanged base first): chr8-140221501-GT-G. GRCh37 (hg19) VCF-style: chr8-141231600-GT-G.
Other names: c.2486del, p.Asn829fs (NM_001321646.2); c.2534del, p.Asn845fs (NM_001374682.1); c.2513del, p.Asn838fs (NM_001374683.1, NM_031466.8); c.2369del, p.Asn790fs (NM_001374684.1); c.2513delA (NM_001160372.4); short protein forms N790fs, N829fs, N838fs, N845fs.
Identifiers: ClinVar variation 3764586 (VCV003764586.1).

ClinVar aggregate classification (germline): Pathogenic (1 of 4 stars; one submission).

Conditions:
Intellectual developmental disorder, autosomal recessive 13. Also called: Intellectual disability, autosomal recessive 13. Identifiers: Orphanet 88616, MedGen C2750791, MONDO:0013173, OMIM 613192.

Submission:

Daryl Scott Lab, Baylor College of Medicine
Classification: Pathogenic for Intellectual developmental disorder, autosomal recessive 13. Last evaluated: 2024-01-01. Review status: criteria provided, single submitter. Criteria: ACMG Guidelines, 2015. Collection method: clinical testing. Allele origin: paternal. Observed: 1 heterozygote.
Comment: PVS1, PM2